The following is an entry in ClinVar:

ClinVar aggregate classification (germline): Uncertain significance (1 of 4 stars; one submission).

Submission:

Labcorp Genetics (formerly Invitae), Labcorp
Classification: Uncertain significance. Last evaluated: 2022-11-08. Review status: criteria provided, single submitter. Criteria: Invitae Variant Classification Sherloc (09022015). Collection method: clinical testing. Allele origin: germline.
Comment: This sequence change replaces phenylalanine, which is neutral and non-polar, with leucine, which is neutral and non-polar, at codon 44 of the SYT2 protein (p.Phe44Leu). This variant is not present in population databases (gnomAD no frequency). This variant has not been reported in the literature in individuals affected with SYT2-related conditions. Algorithms developed to predict the effect of missense changes on protein structure and function output the following: SIFT: "Tolerated"; PolyPhen-2: "Benign"; Align-GVGD: "Class C0". The leucine amino acid residue is found in multiple mammalian species, which suggests that this missense change does not adversely affect protein function. In summary, the available evidence is currently insufficient to determine the role of this variant in disease. Therefore, it has been classified as a Variant of Uncertain Significance.

NM_177402.5(SYT2):c.130T>C (p.Phe44Leu)

Gene: SYT2 (synaptotagmin 2; minus strand). Cytogenetic location: 1q32.1.
Variant type: single nucleotide variant.
Coding change: c.130T>C on transcript NM_177402.5 (MANE Select); coding-DNA position 130, T replaced by C.
Protein change: p.Phe44Leu; replaces phenylalanine 44 with leucine.
Molecular consequence: missense variant.
Genome position (GRCh38, 1-based): chr1:202,605,643, A>G on the plus strand (T>C on the coding strand, the complement: SYT2 is on the minus strand). VCF-style: chr1-202605643-A-G. GRCh37 (hg19) VCF-style: chr1-202574771-A-G.
Other names: c.130T>C, p.Phe44Leu (NM_001136504.1); short protein forms F44L.
Identifiers: ClinVar variation 1971823 (VCV001971823.5), dbSNP rs2526996383, ClinGen allele CA344259666.